The following is an entry in ClinVar:

NM_000238.4(KCNH2):c.1946-1G>A

Gene: KCNH2 (potassium voltage-gated channel subfamily H member 2; minus strand). Cytogenetic location: 7q36.1.
Variant type: single nucleotide variant.
Coding change: c.1946-1G>A on transcript NM_000238.4 (MANE Select); the canonical splice acceptor site of the intron before coding-DNA position 1946, G replaced by A.
Molecular consequence: splice acceptor variant.
Genome position (GRCh38, 1-based): chr7:150,951,121, C>T on the plus strand (G>A on the coding strand, the complement: KCNH2 is on the minus strand). VCF-style: chr7-150951121-C-T. GRCh37 (hg19) VCF-style: chr7-150648209-C-T.
Other names: c.1658-1G>A (NM_001406753.1, NM_001406756.1); c.926-1G>A (NM_172057.3, NM_001204798.2); c.1946-1G>A (NM_172056.3); c.1769-1G>A (NM_001406755.1); c.1646-1G>A (NM_001406757.1).
Identifiers: ClinVar variation 200376 (VCV000200376.6), dbSNP rs794728375, ClinGen allele CA006081.
Genomic context (GRCh38, chr7:150,951,121, plus strand): 5'-CCGAGTACAGCCGCTGGATGATGGCCGACACGTTGCCGAAGATGCTAGCATACATGAGGG[C>T]TGGGGGCGTGGGCACGTGGGGCCGTCAGCCTCTGCAGGGACCCCACCCACCCACAGGGAC-3'

ClinVar aggregate classification (germline): Pathogenic/Likely pathogenic. Review status: criteria provided, multiple submitters, no conflicts (2 of 4 stars). 3 submissions from 3 submitters: Pathogenic (1); Likely pathogenic (2). Last evaluated 2023-11-01.

Conditions:
KCNH2-related disorder. Also called: KCNH2-related condition; KCNH2-related disorders.

Submissions (3):

Blueprint Genetics
Classification: Likely pathogenic for KCNH2-related disorders. Last evaluated: 2023-11-01. Review status: criteria provided, single submitter. Criteria: ACMG Guidelines, 2015. Collection method: clinical testing. Allele origin: germline. Affected: yes. Observed: 1 variant allele.

AiLife Diagnostics
Classification: Likely pathogenic. Last evaluated: 2021-11-18. Review status: criteria provided, single submitter. Criteria: ACMG Guidelines, 2015. Collection method: clinical testing. Allele origin: germline. Affected: yes. Observed: 1 variant allele.

GeneDx
Classification: Pathogenic. Last evaluated: 2013-07-23. Review status: criteria provided, single submitter. Criteria: GeneDx Variant Classification (06012015). Collection method: clinical testing. Allele origin: germline. Affected: yes.
Comment: c.1946-1 G>A mutation has not been reported as a disease-causing mutation or as a benign polymorphism to our knowledge, this mutation destroys the canonical splice acceptor site in intron 7 and is predicted to cause abnormal gene splicing. The mutation is predicted to lead to either an abnormal message that is subject to nonsense-mediated mRNA decay, or to an abnormal protein product if the message is used for protein translation. Other splice site mutations in the KCNH2 gene have been reported in association with LQTS. . The variant is found in LQT panel(s).